The following is an entry in ClinVar:

ClinVar aggregate classification (germline): Likely benign (1 of 4 stars; one submission).

Allele frequency attached by ClinVar (database versions not stated): gnomAD 0.00001; ExAC 0.00002; gnomAD exomes 0.00002; TOPMed 0.00003.
gnomAD v4.1: 27 of 1,613,536 alleles (0.0017%); highest among the groups gnomAD compares: Middle Eastern, 0.016%; no homozygotes.

Submission:

CeGaT Center for Human Genetics Tuebingen
Classification: Likely benign. Last evaluated: 2025-01-01. Review status: criteria provided, single submitter. Criteria: CeGaT Center For Human Genetics Tuebingen Variant Classification Criteria Version 2. Collection method: clinical testing. Allele origin: germline. Affected: yes. Observed: 2 variant alleles.
Comment: CYLD: BP4, BP7

NM_001378743.1(CYLD):c.582C>T (p.Gly194=)

Gene: CYLD (CYLD lysine 63 deubiquitinase; plus strand). Cytogenetic location: 16q12.1.
Variant type: single nucleotide variant.
Coding change: c.582C>T on transcript NM_001378743.1 (MANE Select); coding-DNA position 582, C replaced by T.
Protein change: p.Gly194=; no amino-acid change (glycine 194 retained).
Molecular consequence: synonymous variant. On other transcripts: 5 prime UTR variant (2), non-coding transcript variant (1).
Genome position (GRCh38, 1-based): chr16:50,751,681, C>T. VCF-style: chr16-50751681-C-T. GRCh37 (hg19) VCF-style: chr16-50785592-C-T.
Other names: c.582C>T, p.Gly194= (NM_001042355.2, NM_001042412.3, NM_001378744.1 and 10 more transcripts); c.-85C>T (NM_001378754.1, NM_001378755.1).
Identifiers: ClinVar variation 3234256 (VCV003234256.20), dbSNP rs201431389, ClinGen allele CA8052213.
Genomic context (GRCh38, chr16:50,751,681, plus strand): 5'-AGGTTTCACTGACGGGGTGTACCAAGGGAAACAGCTTTTTCAGTGTGATGAAGATTGTGG[C>T]GTGTTTGTTGCATTGGACAAGCTAGAACTCATAGAAGATGATGACACTGCATTGGAAAGT-3'
Protein context (NP_001365672.1, residues 184-204): KQLFQCDEDC[Gly194=]VFVALDKLEL